The following is an entry in ClinVar:

ClinVar aggregate classification (germline): Uncertain significance. Review status: criteria provided, multiple submitters, no conflicts (2 of 4 stars). 3 submissions from 3 submitters: Uncertain significance (3). Last evaluated 2023-12-29.

Conditions:
Succinate-semialdehyde dehydrogenase deficiency (SSADHD). Also called: Succinic Semialdehyde Dehydrogenase Deficiency; GABA METABOLIC DEFECT; SSADH DEFICIENCY; 4-HYDROXYBUTYRIC ACIDURIA. Identifiers: Orphanet 22, MedGen C0268631, MONDO:0010083, OMIM 271980.

Allele frequency attached by ClinVar (database versions not stated): ExAC 0.00002; gnomAD exomes 0.00002 and 0.00003; gnomAD 0.00003; TOPMed 0.00003; ESP Exome Variant Server 0.00008.
gnomAD v4.1: 37 of 1,614,010 alleles (0.0023%); highest among the groups gnomAD compares: Middle Eastern, 0.016%; no homozygotes.

Submissions (3):

Blueprint Genetics
Classification: Uncertain significance. Last evaluated: 2023-12-29. Review status: criteria provided, single submitter. Criteria: ACMG Guidelines, 2015. Collection method: clinical testing. Allele origin: germline.

Department of Pathology and Laboratory Medicine, Sinai Health System
Classification: Uncertain significance for Succinate-semialdehyde dehydrogenase deficiency. Last evaluated: 2023-02-06. Review status: criteria provided, single submitter. Criteria: ACMG Guidelines, 2015. Collection method: research. Allele origin: germline.

Labcorp Genetics (formerly Invitae), Labcorp
Classification: Uncertain significance for Succinate-semialdehyde dehydrogenase deficiency. Last evaluated: 2022-08-21. Review status: criteria provided, single submitter. Criteria: Invitae Variant Classification Sherloc (09022015). Collection method: clinical testing. Allele origin: germline.
Comment: This sequence change replaces isoleucine, which is neutral and non-polar, with threonine, which is neutral and polar, at codon 178 of the ALDH5A1 protein (p.Ile178Thr). This variant is present in population databases (rs375773360, gnomAD 0.005%). This variant has not been reported in the literature in individuals affected with ALDH5A1-related conditions. ClinVar contains an entry for this variant (Variation ID: 1045824). Advanced modeling of protein sequence and biophysical properties (such as structural, functional, and spatial information, amino acid conservation, physicochemical variation, residue mobility, and thermodynamic stability) performed at Invitae indicates that this missense variant is not expected to disrupt ALDH5A1 protein function. In summary, the available evidence is currently insufficient to determine the role of this variant in disease. Therefore, it has been classified as a Variant of Uncertain Significance.

NM_001080.3(ALDH5A1):c.533T>C (p.Ile178Thr)

Gene: ALDH5A1 (aldehyde dehydrogenase 5 family member A1; plus strand). Cytogenetic location: 6p22.3.
Variant type: single nucleotide variant.
Coding change: c.533T>C on transcript NM_001080.3 (MANE Select); coding-DNA position 533, T replaced by C.
Protein change: p.Ile178Thr; replaces isoleucine 178 with threonine.
Molecular consequence: missense variant.
Genome position (GRCh38, 1-based): chr6:24,503,357, T>C. VCF-style: chr6-24503357-T-C. GRCh37 (hg19) VCF-style: chr6-24503585-T-C.
Other names: c.533T>C, p.Ile178Thr (NM_001368954.1, NM_170740.1); short protein forms I178T.
Identifiers: ClinVar variation 1045824 (VCV001045824.6), dbSNP rs375773360, ClinGen allele CA3656649.